The following is an entry in ClinVar:

ClinVar aggregate classification (germline): Uncertain significance (1 of 4 stars; one submission).

Conditions:
SIM1-related disorder. Also called: SIM1-related disorders; SIM1-related condition.

gnomAD v4.1: 4 of 1,614,186 alleles (0.00025%); highest among the groups gnomAD compares: South Asian, 0.0011%; no homozygotes.

Submission:

PreventionGenetics, part of Exact Sciences
Classification: Uncertain significance for SIM1-related condition. Last evaluated: 2024-12-03. Review status: criteria provided, single submitter. Criteria: ACMG Guidelines, 2015. Collection method: clinical testing. Allele origin: germline.
Comment: The SIM1 c.2065G>A variant is predicted to result in the amino acid substitution p.Gly689Arg. To our knowledge, this variant has not been reported in the literature. This variant is reported in 0.0099% of alleles in individuals of Ashkenazi Jewish descent in gnomAD. At this time, the clinical significance of this variant is uncertain due to the absence of conclusive functional and genetic evidence.

NM_005068.3(SIM1):c.2065G>A (p.Gly689Arg)

Gene: SIM1 (SIM bHLH transcription factor 1; minus strand). Cytogenetic location: 6q16.3.
Variant type: single nucleotide variant.
Coding change: c.2065G>A on transcript NM_005068.3 (MANE Select); coding-DNA position 2065, G replaced by A.
Protein change: p.Gly689Arg; replaces glycine 689 with arginine.
Molecular consequence: missense variant.
Genome position (GRCh38, 1-based): chr6:100,390,597, C>T on the plus strand (G>A on the coding strand, the complement: SIM1 is on the minus strand). VCF-style: chr6-100390597-C-T. GRCh37 (hg19) VCF-style: chr6-100838473-C-T.
Other names: c.2065G>A, p.Gly689Arg (NM_001374769.1); short protein forms G689R.
Identifiers: ClinVar variation 4985482 (VCV004985482.1).